The following is an entry in ClinVar:

ClinVar aggregate classification (germline): Uncertain significance. Review status: criteria provided, multiple submitters, no conflicts (2 of 4 stars). 3 submissions from 3 submitters: Uncertain significance (3). Last evaluated 2025-07-18.

Conditions:
Inborn genetic diseases. Identifiers: MedGen C0950123, MeSH D030342.

Allele frequency attached by ClinVar (database versions not stated): TOPMed 0.00015; gnomAD 0.00011 and 0.00009; 1000 Genomes Project 0.00020; 1000 Genomes Project 30x 0.00031; ExAC 0.00010; gnomAD exomes 0.00013; ESP Exome Variant Server 0.00023.
gnomAD v4.1: 355 of 1,611,096 alleles (0.022%); highest among the groups gnomAD compares: Non-Finnish European, 0.028%; no homozygotes.

Submissions (3):

GeneDx
Classification: Uncertain significance. Last evaluated: 2025-07-18. Review status: criteria provided, single submitter. Criteria: GeneDx Variant Classification Process June 2021. Collection method: clinical testing. Allele origin: germline. Affected: yes.
Comment: Identified in a patient with cleft lip and palate in published literature (PMID: 37676273); In silico analysis suggests that this missense variant does not alter protein structure/function; This variant is associated with the following publications: (PMID: 37676273)

Labcorp Genetics (formerly Invitae), Labcorp
Classification: Uncertain significance. Last evaluated: 2023-08-01. Review status: criteria provided, single submitter. Criteria: Invitae Variant Classification Sherloc (09022015). Collection method: clinical testing. Allele origin: germline.
Comment: This sequence change replaces alanine, which is neutral and non-polar, with threonine, which is neutral and polar, at codon 94 of the SEC24D protein (p.Ala94Thr). In summary, the available evidence is currently insufficient to determine the role of this variant in disease. Therefore, it has been classified as a Variant of Uncertain Significance. Algorithms developed to predict the effect of missense changes on protein structure and function output the following: SIFT: "Not Available"; PolyPhen-2: "Benign"; Align-GVGD: "Not Available". The threonine amino acid residue is found in multiple mammalian species, which suggests that this missense change does not adversely affect protein function. ClinVar contains an entry for this variant (Variation ID: 1488946). This variant has not been reported in the literature in individuals affected with SEC24D-related conditions. This variant is present in population databases (rs190983418, gnomAD 0.03%).

Ambry Genetics
Classification: Uncertain significance for Inborn genetic diseases. Last evaluated: 2021-09-16. Review status: criteria provided, single submitter. Criteria: Ambry Variant Classification Scheme 2023. Collection method: clinical testing. Allele origin: germline.

NM_014822.4(SEC24D):c.280G>A (p.Ala94Thr)

Gene: SEC24D (SEC24 homolog D, COPII component; minus strand). Cytogenetic location: 4q26.
Variant type: single nucleotide variant.
Coding change: c.280G>A on transcript NM_014822.4 (MANE Select); coding-DNA position 280, G replaced by A.
Protein change: p.Ala94Thr; replaces alanine 94 with threonine.
Molecular consequence: missense variant.
Genome position (GRCh38, 1-based): chr4:118,817,381, C>T on the plus strand (G>A on the coding strand, the complement: SEC24D is on the minus strand). VCF-style: chr4-118817381-C-T. GRCh37 (hg19) VCF-style: chr4-119738536-C-T.
Other names: c.280G>A, p.Ala94Thr (NM_001318066.2); c.280G>A (NM_014822.3, NM_014822.2); short protein forms A94T.
Identifiers: ClinVar variation 1488946 (VCV001488946.6), dbSNP rs190983418, ClinGen allele CA3057582.
Genomic context (GRCh38, chr4:118,817,381, plus strand): 5'-TGGATATAGGACCTGGATAAGAAGATTGTGCAGAGGGTTGGTATGGTGCATGTGAGGATG[C>T]CACATTGTTGACAGGTGGAGGGCCTGGAAATCTGAGAGAGGAAAACAGGATGTCAAACAA-3'
Protein context (NP_055637.2, residues 84-104): FPGPPPVNNV[Ala94Thr]SSHAPYQPSA